The following is an entry in ClinVar:

ClinVar aggregate classification (germline): Uncertain significance (1 of 4 stars; one submission).

Conditions:
WNK1-related disorder. Also called: WNK1-related condition.

gnomAD v4.1: 6 of 1,614,200 alleles (0.00037%); highest among the groups gnomAD compares: Non-Finnish European, 0.00051%; no homozygotes.

Submission:

PreventionGenetics, part of Exact Sciences
Classification: Uncertain significance for WNK1-related condition. Last evaluated: 2026-03-06. Review status: criteria provided, single submitter. Criteria: ACMG Guidelines, 2015. Collection method: clinical testing. Allele origin: germline.
Comment: The WNK1 c.5914A>G variant is predicted to result in the amino acid substitution p.Lys1972Glu. To our knowledge, this variant has not been reported in the literature or in a large population database (gnomAD), indicating this variant is rare. At this time, the clinical significance of this variant is uncertain due to the absence of conclusive functional and genetic evidence.

NM_018979.4(WNK1):c.5914A>G (p.Lys1972Glu)

Gene: WNK1 (WNK lysine deficient protein kinase 1; plus strand). Cytogenetic location: 12p13.33.
Variant type: single nucleotide variant.
Coding change: c.5914A>G on transcript NM_018979.4 (MANE Select); coding-DNA position 5914, A replaced by G.
Protein change: p.Lys1972Glu; replaces lysine 1972 with glutamic acid.
Molecular consequence: missense variant.
Genome position (GRCh38, 1-based): chr12:896,401, A>G. VCF-style: chr12-896401-A-G. GRCh37 (hg19) VCF-style: chr12-1005567-A-G.
Other names: c.6694A>G, p.Lys2232Glu (NM_001184985.2); c.5170A>G, p.Lys1724Glu (NM_014823.3); c.6670A>G, p.Lys2224Glu (NM_213655.5); short protein forms K1724E, K1972E, K2232E, K2224E.
Identifiers: ClinVar variation 4983612 (VCV004983612.1).